The following is an entry in ClinVar:

ClinVar aggregate classification (germline): Uncertain significance (1 of 4 stars; one submission).

Allele frequency attached by ClinVar (database versions not stated): gnomAD exomes below 0.00001.
gnomAD v4.1: 3 of 1,613,420 alleles (0.00019%); highest among the groups gnomAD compares: Non-Finnish European, 0.00025%; no homozygotes.

Submission:

CeGaT Center for Human Genetics Tuebingen
Classification: Uncertain significance. Last evaluated: 2023-07-01. Review status: criteria provided, single submitter. Criteria: CeGaT Center For Human Genetics Tuebingen Variant Classification Criteria Version 2. Collection method: clinical testing. Allele origin: germline. Affected: yes. Observed: 1 variant allele.
Comment: TTN: PM2

NM_001267550.2(TTN):c.70841G>A (p.Ser23614Asn)

Genes: TTN (titin; minus strand), TTN-AS1 (TTN antisense RNA 1; plus strand). Cytogenetic location: 2q31.2.
Variant type: single nucleotide variant.
Coding change: c.70841G>A on transcript NM_001267550.2 (MANE Select); coding-DNA position 70841, G replaced by A.
Protein change: p.Ser23614Asn; replaces serine 23614 with asparagine.
Molecular consequence: missense variant.
Genome position (GRCh38, 1-based): chr2:178,575,291, C>T on the plus strand (G>A on the coding strand, the complement: TTN is on the minus strand). VCF-style: chr2-178575291-C-T. GRCh37 (hg19) VCF-style: chr2-179440018-C-T.
Other names: c.65918G>A, p.Ser21973Asn (NM_001256850.1); c.43646G>A, p.Ser14549Asn (NM_003319.4); c.63137G>A, p.Ser21046Asn (NM_133378.4); c.44021G>A, p.Ser14674Asn (NM_133432.3); c.44222G>A, p.Ser14741Asn (NM_133437.4); short protein forms S14549N, S14674N, S14741N, S21046N, S21973N, S23614N.
Identifiers: ClinVar variation 2578882 (VCV002578882.25), dbSNP rs1237254642, ClinGen allele CA349660823.